The following is an entry in ClinVar:

NM_000522.5(HOXA13):c.818T>A (p.Met273Lys)

Genes: HOXA13 (homeobox A13; minus strand), LOC107126288 (NUP98-HOXA13 recombination region; plus strand). Cytogenetic location: 7p15.2.
Variant type: single nucleotide variant.
Coding change: c.818T>A on transcript NM_000522.5 (MANE Select); coding-DNA position 818, T replaced by A.
Protein change: p.Met273Lys; replaces methionine 273 with lysine.
Molecular consequence: missense variant.
Genome position (GRCh38, 1-based): chr7:27,199,260, A>T on the plus strand (T>A on the coding strand, the complement: HOXA13 is on the minus strand). VCF-style: chr7-27199260-A-T. GRCh37 (hg19) VCF-style: chr7-27238879-A-T.
Other names: short protein forms M273K.
Identifiers: ClinVar variation 4776467 (VCV004776467.1).

ClinVar aggregate classification (germline): Uncertain significance (1 of 4 stars; one submission).

gnomAD v4.1: 2 of 1,613,832 alleles (0.00012%); highest among the groups gnomAD compares: Non-Finnish European, 0.00017%; no homozygotes.

Submission:

Labcorp Genetics (formerly Invitae), Labcorp
Classification: Uncertain significance. Last evaluated: 2025-09-09. Review status: criteria provided, single submitter. Criteria: Invitae Variant Classification Sherloc (09022015). Collection method: clinical testing. Allele origin: germline.
Comment: This sequence change replaces methionine, which is neutral and non-polar, with lysine, which is basic and polar, at codon 273 of the HOXA13 protein (p.Met273Lys). This variant is present in population databases (no rsID available, gnomAD 0.007%). This variant has not been reported in the literature in individuals affected with HOXA13-related conditions. Invitae Evidence Modeling of protein sequence and biophysical properties (such as structural, functional, and spatial information, amino acid conservation, physicochemical variation, residue mobility, and thermodynamic stability) indicates that this missense variant is not expected to disrupt HOXA13 protein function with a negative predictive value of 80%. In summary, the available evidence is currently insufficient to determine the role of this variant in disease. Therefore, it has been classified as a Variant of Uncertain Significance.